The following is an entry in ClinVar:

ClinVar aggregate classification (germline): Benign/Likely benign. Review status: criteria provided, multiple submitters, no conflicts (2 of 4 stars). 7 submissions from 7 submitters: Benign (1); Likely benign (4). 2 of the submissions do not count toward it. Last evaluated 2026-01-31.

Conditions:
HNF1B-related disorder. Also called: HNF1B-related condition; HNF1B-related disorders.
Renal cysts and diabetes syndrome (RCAD). Also called: MATURITY-ONSET DIABETES OF THE YOUNG, TYPE 5; Familial hypoplastic, glomerulocystic kidney. Identifiers: Orphanet 93111, MedGen C0431693, MONDO:0007669, OMIM 137920.
Type 2 diabetes mellitus. Also called: Type II diabetes mellitus. Identifiers: MedGen C0011860, MeSH D003924, MONDO:0005148, OMIM 125853, HP:0005978.
Nonpapillary renal cell carcinoma. Identifiers: Orphanet 422526, MedGen CN074294, MONDO:0007763, OMIM 144700.
Maturity-onset diabetes of the young (MODY). Also called: Maturity onset diabetes mellitus in young. Identifiers: Orphanet 552, MedGen C0342276, MONDO:0018911, HP:0004904.

Allele frequency attached by ClinVar (database versions not stated): gnomAD 0.00007 and 0.00008; TOPMed 0.00008.
gnomAD v4.1: 106 of 1,614,104 alleles (0.0066%); highest among the groups gnomAD compares: Non-Finnish European, 0.0086%; no homozygotes.

Submissions (7):

Labcorp Genetics (formerly Invitae), Labcorp
Classification: Likely benign. Last evaluated: 2026-01-31. Review status: criteria provided, single submitter. Criteria: Invitae Variant Classification Sherloc (09022015). Collection method: clinical testing. Allele origin: germline.

Blueprint Genetics
Classification: Likely benign. Last evaluated: 2024-07-17. Review status: criteria provided, single submitter. Criteria: ACMG Guidelines, 2015. Collection method: clinical testing. Allele origin: germline.

Fulgent Genetics
Classification: Likely benign for Type 2 diabetes mellitus; Renal cysts and diabetes syndrome; Nonpapillary renal cell carcinoma. Last evaluated: 2021-08-03. Review status: criteria provided, single submitter. Criteria: ACMG Guidelines, 2015. Collection method: clinical testing. Allele origin: unknown.

Broad Center for Mendelian Genomics, Broad Institute of MIT and Harvard
Classification: Benign for Maturity-onset diabetes of the young. Last evaluated: 2020-01-22. Review status: criteria provided, single submitter. Criteria: ACMG Guidelines, 2015. Collection method: curation. Allele origin: germline. Inheritance: Autosomal dominant inheritance.
Comment: The c.660T>C (p.Asp220=) variant in HNF1B has not been previously reported in individuals with MODY but has been identified in 0.01% (18/129182) of European (non-Finnish) chromosomes and 0.01% (1/10370) of Ashkenazi Jewish chromosomes by the Genome Aggregation Database (gnomAD; dbSNP rs779375959). This variant has been seen in the general population at a frequency high enough to rule out a pathogenic role. Computational prediction tools and conservation analyses do not provide strong support for or against an impact to the protein. In summary, this variant meets criteria to be classified as benign for MODY in an autosomal dominant manner based on the frequency in the general population. ACMG/AMP Criteria applied: BA1 (Richards 2015).

Genetic Services Laboratory, University of Chicago
Classification: Likely benign. Last evaluated: 2017-10-25. Review status: criteria provided, single submitter. Criteria: ACMG Guidelines, 2015. Collection method: clinical testing. Allele origin: germline. Affected: no.

PreventionGenetics, part of Exact Sciences
Classification: Likely benign for HNF1B-related condition. Last evaluated: 2024-02-26. Review status: no assertion criteria provided. Collection method: clinical testing. Allele origin: germline. Not counted in ClinVar's aggregate classification.
Comment: This variant is classified as likely benign based on ACMG/AMP sequence variant interpretation guidelines (Richards et al. 2015 PMID: 25741868, with internal and published modifications).

Clinical Genomics, Uppaluri K&H Personalized Medicine Clinic
Classification: Likely risk allele for Maturity-onset diabetes of the young. Review status: flagged submission. Criteria: K & H Uppaluri Personalized Medicine Clinic Variant Classification & Assertion Criteria_Updated V.1. Collection method: research. Allele origin: unknown. Inheritance: Autosomal dominant inheritance. Not counted in ClinVar's aggregate classification.
Comment: HNF1B gene mutations are associated with early onset diabetes and pancreatic atrophy. It is also associated with multiple renal manifestations including renal cysts, Tubulointerstitial disease, glomerulocystic disease, renal hypoplasia, hypomagnesemia.However no sufficient evidence is found to ascertain the role of this particular variant rs779375959, yet.
ClinVar note: Reason: Outlier claim with insufficient supporting evidence

Literature cited by the submitters: PubMed 24897035 (cited by Clinical Genomics, Uppaluri K&H Personalized Medicine Clinic); PubMed 25536396 (cited by Clinical Genomics, Uppaluri K&H Personalized Medicine Clinic); PubMed 27615128 (cited by Clinical Genomics, Uppaluri K&H Personalized Medicine Clinic); PubMed 28215227 (cited by Clinical Genomics, Uppaluri K&H Personalized Medicine Clinic); PubMed 33434175 (cited by Clinical Genomics, Uppaluri K&H Personalized Medicine Clinic); PubMed 25741167 (cited by Clinical Genomics, Uppaluri K&H Personalized Medicine Clinic); PubMed 26340261 (cited by Clinical Genomics, Uppaluri K&H Personalized Medicine Clinic); PubMed 19639018 (cited by Clinical Genomics, Uppaluri K&H Personalized Medicine Clinic).

NM_000458.4(HNF1B):c.660T>C (p.Asp220=)

Genes: HNF1B (HNF1 homeobox B; minus strand), LOC126862549 (BRD4-independent group 4 enhancer GRCh37_chr17:36093401-36094600; plus strand). Cytogenetic location: 17q12.
Variant type: single nucleotide variant.
Coding change: c.660T>C on transcript NM_000458.4 (MANE Select); coding-DNA position 660, T replaced by C.
Protein change: p.Asp220=; no amino-acid change (aspartic acid 220 retained).
Molecular consequence: synonymous variant.
Genome position (GRCh38, 1-based): chr17:37,733,706, A>G on the plus strand (T>C on the coding strand, the complement: HNF1B is on the minus strand). VCF-style: chr17-37733706-A-G. GRCh37 (hg19) VCF-style: chr17-36093699-A-G.
Other names: c.582T>C, p.Asp194= (NM_001165923.4, NM_001304286.2); c.660T>C (NM_000458.3).
Identifiers: ClinVar variation 972750 (VCV000972750.19), dbSNP rs779375959, ClinGen allele CA8519031.
Genomic context (GRCh38, chr17:37,733,706, plus strand): 5'-GGGCCCCCATTTGAACCGGTTGCGGCGCATCTTCTTGTTGGTGGGCTCAGAGCAGGCATC[A>G]TCGGACTGCCCAGGCCCATGGCTCTGTTGACTGAACTCTGGAAAGAGAAACAGCAGCTGA-3'
Protein context (NP_000449.1, residues 210-230): SQQSHGPGQS[Asp220=]DACSEPTNKK